The following is an entry in ClinVar:

ClinVar aggregate classification (germline): Benign/Likely benign. Review status: criteria provided, multiple submitters, no conflicts (2 of 4 stars). 4 submissions from 4 submitters: Benign (1); Likely benign (2). 1 of the submissions does not count toward it. Last evaluated 2025-11-03.

Conditions:
NHS-related disorder. Also called: NHS-related condition.
Nance-Horan syndrome (NHS). Identifiers: Orphanet 627, MedGen C0796085, MONDO:0010545, OMIM 302350.
Inborn genetic diseases. Identifiers: MedGen C0950123, MeSH D030342.

Allele frequency attached by ClinVar (database versions not stated): gnomAD exomes 0.00005 and 0.00011; ExAC 0.00014; TOPMed 0.00046; ESP Exome Variant Server 0.00047; gnomAD 0.00048 and 0.00056.
gnomAD v4.1: 112 of 1,209,692 alleles (0.0093%); highest among the groups gnomAD compares: African/African-American, 0.16%; no homozygotes.

Submissions (4):

Labcorp Genetics (formerly Invitae), Labcorp
Classification: Benign for Nance-Horan syndrome. Last evaluated: 2025-11-03. Review status: criteria provided, single submitter. Criteria: Invitae Variant Classification Sherloc (09022015). Collection method: clinical testing. Allele origin: germline.

Ambry Genetics
Classification: Likely benign for Inborn genetic diseases. Last evaluated: 2023-02-06. Review status: criteria provided, single submitter. Criteria: Ambry Variant Classification Scheme 2023. Collection method: clinical testing. Allele origin: germline.

CeGaT Center for Human Genetics Tuebingen
Classification: Likely benign. Last evaluated: 2022-06-01. Review status: criteria provided, single submitter. Criteria: CeGaT Center For Human Genetics Tuebingen Variant Classification Criteria Version 2. Collection method: clinical testing. Allele origin: germline. Affected: yes. Observed: 1 variant allele.
Comment: NHS: BP4, BS2

PreventionGenetics, part of Exact Sciences
Classification: Likely benign for NHS-related condition. Last evaluated: 2021-10-13. Review status: no assertion criteria provided. Collection method: clinical testing. Allele origin: germline. Not counted in ClinVar's aggregate classification.
Comment: This variant is classified as likely benign based on ACMG/AMP sequence variant interpretation guidelines (Richards et al. 2015 PMID: 25741868, with internal and published modifications).

NM_001291867.2(NHS):c.4436G>A (p.Ser1479Asn)

Gene: NHS (NHS actin remodeling regulator; plus strand). Cytogenetic location: Xp22.13.
Variant type: single nucleotide variant.
Coding change: c.4436G>A on transcript NM_001291867.2 (MANE Select); coding-DNA position 4436, G replaced by A.
Protein change: p.Ser1479Asn; replaces serine 1479 with asparagine.
Molecular consequence: missense variant.
Genome position (GRCh38, 1-based): chrX:17,731,944, G>A. VCF-style: chrX-17731944-G-A. GRCh37 (hg19) VCF-style: chrX-17750064-G-A.
Other names: c.4373G>A, p.Ser1458Asn (NM_198270.4); c.4373G>A (NM_198270.2); c.3905G>A, p.Ser1302Asn (NM_001136024.4); c.3842G>A, p.Ser1281Asn (NM_001291868.2); short protein forms S1302N, S1479N, S1458N, S1281N.
Identifiers: ClinVar variation 710632 (VCV000710632.35), dbSNP rs145200841, ClinGen allele CA10358931.